The following is an entry in ClinVar:

NM_002076.4(GNS):c.1453C>G (p.Pro485Ala)

Gene: GNS (glucosamine (N-acetyl)-6-sulfatase; minus strand). Cytogenetic location: 12q14.3.
Variant type: single nucleotide variant.
Coding change: c.1453C>G on transcript NM_002076.4 (MANE Select); coding-DNA position 1453, C replaced by G.
Protein change: p.Pro485Ala; replaces proline 485 with alanine.
Molecular consequence: missense variant.
Genome position (GRCh38, 1-based): chr12:64,720,149, G>C on the plus strand (C>G on the coding strand, the complement: GNS is on the minus strand). VCF-style: chr12-64720149-G-C. GRCh37 (hg19) VCF-style: chr12-65113929-G-C.
Other names: short protein forms P485A.
Identifiers: ClinVar variation 424252 (VCV000424252.16), dbSNP rs138790252, ClinGen allele CA6669651.

ClinVar aggregate classification (germline): Conflicting classifications of pathogenicity. Review status: criteria provided, conflicting classifications (1 of 4 stars). 3 submissions from 3 submitters: Uncertain significance (1); Likely benign (2). Last evaluated 2026-01-22.

Conditions:
GNS-related disorder. Also called: GNS-related condition.
Mucopolysaccharidosis, MPS-III-D (MPS3D). Also called: N-ACETYLGLUCOSAMINE-6-SULFATASE DEFICIENCY; MUCOPOLYSACCHARIDOSIS, TYPE IIID; SANFILIPPO SYNDROME D; MPS IIID (Sanfilippo Syndrome Type D); MPS III D; Mucopoly-saccharidosis type 3D. Identifiers: Orphanet 581, Orphanet 79272, MedGen C0086650, MONDO:0009658, OMIM 252940.

Allele frequency attached by ClinVar (database versions not stated): gnomAD exomes 0.00022 and 0.00008; ExAC 0.00027; gnomAD 0.00072 and 0.00079; TOPMed 0.00086; ESP Exome Variant Server 0.00123; 1000 Genomes Project 30x 0.00078; 1000 Genomes Project 0.00080.
gnomAD v4.1: 236 of 1,604,930 alleles (0.015%); highest among the groups gnomAD compares: African/African-American, 0.26%; 1 homozygote.

Submissions (3):

Labcorp Genetics (formerly Invitae), Labcorp
Classification: Likely benign for Mucopolysaccharidosis, MPS-III-D. Last evaluated: 2026-01-22. Review status: criteria provided, single submitter. Criteria: Invitae Variant Classification Sherloc (09022015). Collection method: clinical testing. Allele origin: germline.

PreventionGenetics, part of Exact Sciences
Classification: Likely benign for GNS-related condition. Last evaluated: 2025-02-21. Review status: criteria provided, single submitter. Criteria: ACMG Guidelines, 2015. Collection method: clinical testing. Allele origin: germline.
Comment: This variant is classified as likely benign based on ACMG/AMP sequence variant interpretation guidelines (Richards et al. 2015 PMID: 25741868, with internal and published modifications).

GeneDx
Classification: Uncertain significance. Last evaluated: 2023-01-26. Review status: criteria provided, single submitter. Criteria: GeneDx Variant Classification Process June 2021. Collection method: clinical testing. Allele origin: germline. Affected: yes.
Comment: In silico analysis supports that this missense variant has a deleterious effect on protein structure/function; Has not been previously published as pathogenic or benign to our knowledge